The following is an entry in ClinVar:

NM_000136.3(FANCC):c.521+2T>A

Gene: FANCC (FA complementation group C; minus strand). Cytogenetic location: 9q22.32.
Variant type: single nucleotide variant.
Coding change: c.521+2T>A on transcript NM_000136.3 (MANE Select); the canonical splice donor site of the intron after coding-DNA position 521, T replaced by A.
Molecular consequence: splice donor variant.
Genome position (GRCh38, 1-based): chr9:95,171,077, A>T on the plus strand (T>A on the coding strand, the complement: FANCC is on the minus strand). VCF-style: chr9-95171077-A-T. GRCh37 (hg19) VCF-style: chr9-97933359-A-T.
Other names: c.521+2T>A (NM_001243743.2, NM_001243744.2).
Identifiers: ClinVar variation 4817551 (VCV004817551.1).

ClinVar aggregate classification (germline): Likely pathogenic (1 of 4 stars; one submission).

Conditions:
Fanconi anemia (FA). Also called: Fanconi's anemia. Identifiers: Orphanet 84, MedGen C0015625, MeSH D005199, MONDO:0019391.

Submission:

Natera, Inc.
Classification: Likely pathogenic for Fanconi anemia. Last evaluated: 2024-08-28. Review status: criteria provided, single submitter. Criteria: Natera Variant Classification Schema (03/2026). Collection method: clinical testing. Allele origin: germline.
Comment: The c.521+2T>A variant in FANCC is a canonical splice donor site variant predicted to affect pre-mRNA splicing, which may result in an abnormal transcript and altered protein product. This variant is expected to result in nonsense mediated decay, truncation, or a dysfunctional protein product. This variant is rare in the general population with a frequency below the threshold expected for the associated phenotype(s). Given the available evidence, this variant is classified as Likely Pathogenic.